The following is an entry in ClinVar:

ClinVar aggregate classification (germline): Uncertain significance (1 of 4 stars; one submission).

Allele frequency attached by ClinVar (database versions not stated): gnomAD exomes below 0.00001; ExAC 0.00002.

Submission:

Labcorp Genetics (formerly Invitae), Labcorp
Classification: Uncertain significance. Last evaluated: 2024-12-16. Review status: criteria provided, single submitter. Criteria: Invitae Variant Classification Sherloc (09022015). Collection method: clinical testing. Allele origin: germline.
Comment: This sequence change replaces glutamine, which is neutral and polar, with histidine, which is basic and polar, at codon 230 of the COL18A1 protein (p.Gln230His). This variant is not present in population databases (gnomAD no frequency). This variant has not been reported in the literature in individuals affected with COL18A1-related conditions. ClinVar contains an entry for this variant (Variation ID: 1446404). Experimental studies and prediction algorithms are not available or were not evaluated, and the functional significance of this variant is currently unknown. In summary, the available evidence is currently insufficient to determine the role of this variant in disease. Therefore, it has been classified as a Variant of Uncertain Significance.

NM_001379500.1(COL18A1):c.690G>C (p.Gln230His)

Gene: COL18A1 (collagen type XVIII alpha 1 chain; plus strand). Cytogenetic location: 21q22.3.
Variant type: single nucleotide variant.
Coding change: c.690G>C on transcript NM_001379500.1 (MANE Select); coding-DNA position 690, G replaced by C.
Protein change: p.Gln230His; replaces glutamine 230 with histidine.
Molecular consequence: missense variant.
Genome position (GRCh38, 1-based): chr21:45,473,933, G>C. VCF-style: chr21-45473933-G-C. GRCh37 (hg19) VCF-style: chr21-46893847-G-C.
Other names: c.1230G>C, p.Gln410His (NM_030582.4); c.1935G>C, p.Gln645His (NM_130444.3); short protein forms Q410H, Q645H, Q230H.
Identifiers: ClinVar variation 1446404 (VCV001446404.5), dbSNP rs774932026, ClinGen allele CA10065849.
Genomic context (GRCh38, chr21:45,473,933, plus strand): 5'-CCCTTTCTCTGTCTGCATTTAGGGGGTGATCGCTGAGCTGAAGGTGCGCAGGGACCCCCA[G>C]GTGAGCCCCATGCACTGCCTGGACGAGGAAGGCGATGACTCAGATGGGGTGAGTGACATC-3'
Protein context (NP_001366429.1, residues 220-240): IAELKVRRDP[Gln230His]VSPMHCLDEE